The following is an entry in ClinVar:

NM_022336.4(EDAR):c.338G>A (p.Cys113Tyr)

Genes: EDAR (ectodysplasin A receptor; minus strand), RANBP2 (RAN binding protein 2; plus strand). Cytogenetic location: 2q13.
Variant type: single nucleotide variant.
Coding change: c.338G>A on transcript NM_022336.4 (MANE Select); coding-DNA position 338, G replaced by A.
Protein change: p.Cys113Tyr; replaces cysteine 113 with tyrosine.
Molecular consequence: missense variant.
Genome position (GRCh38, 1-based): chr2:108,929,216, C>T on the plus strand (G>A on the coding strand, the complement: EDAR is on the minus strand). VCF-style: chr2-108929216-C-T. GRCh37 (hg19) VCF-style: chr2-109545672-C-T.
Other names: EDA1R; c.338G>A (NM_022336.3); short protein forms C113Y.
Identifiers: ClinVar variation 986783 (VCV000986783.4), dbSNP rs1475705727, ClinGen allele CA348115572.

ClinVar aggregate classification (germline): Likely pathogenic. Review status: criteria provided, single submitter (1 of 4 stars). 3 submissions from 3 submitters: Likely pathogenic (1). 2 of the submissions do not count toward it.

Conditions:
Oligodontia. Identifiers: MedGen C4082304, HP:0000677.
Ectodermal dysplasia. Also called: Ectodermal dysplasia syndrome. Identifiers: Orphanet 79373, MedGen C0013575, MONDO:0019287, HP:0000968.
Ectodermal dysplasia 10B, hypohidrotic/hair/tooth type, autosomal recessive. Also called: Ectodermal dysplasia 10B, hypohidrotic/hair/tooth type, autosomal; Ectodermal Dysplasia, Hypohidrotic, Autosomal Recessive. Identifiers: Orphanet 238468, Orphanet 248, MedGen C3887494, MONDO:0009147, OMIM 224900.

Allele frequency attached by ClinVar (database versions not stated): gnomAD 0.00001; TOPMed 0.00001; gnomAD exomes below 0.00001.
gnomAD v4.1: 5 of 1,613,990 alleles (0.00031%); highest among the groups gnomAD compares: Middle Eastern, 0.016%; no homozygotes.

Submissions (3):

Neuberg Centre For Genomic Medicine, NCGM
Classification: Likely pathogenic for Ectodermal dysplasia 10B, hypohidrotic/hair/tooth type, autosomal recessive. Review status: criteria provided, single submitter. Criteria: ACMG Guidelines, 2015. Collection method: clinical testing. Allele origin: germline. Inheritance: Autosomal recessive inheritance. Affected: yes.

Department of Prosthodontics, School and Hospital of Stomatology, Hebei Medical University and Hebei Key Laboratory of Stomatology
Classification: Pathogenic for Oligodontia. Review status: no assertion criteria provided. Collection method: research. Allele origin: maternal. Affected: yes. Observed: 1 heterozygote. Not counted in ClinVar's aggregate classification.
Comment: We detected the variant Cys113Tyr in EDAR in two members of a Chinese family and predicted its pathogenicity. SIFT, Polyphen2 and MutationTaster predictions for the mutation were â€œdeleteriousâ€ (0.00), â€œprobably damagingâ€ (0.996), and â€œdisease-causingâ€ (1.00), respectively, suggesting the variant was highly pathogenic. A cross-species amino acid sequence alignment of EDAR showed that the mutation site was highly conserved among humans (>NP_071731.1), cattle (>XP_005212787.1), zebrafish (>NP_001108536.2), rhesus monkeys (>XP_014968589.2), dogs (>XP_005626028.2), mice (>NP_034230.1), and chickens (>NP_001012629.1). In summary, the Cys113Tyr variant meets our criteria to be classified as pathogenic based upon segregation analysis and functional prediction results.

GeneReviews
No classification provided. Condition: Ectodermal dysplasia. Review status: no classification provided. Collection method: literature only. Allele origin: germline. Not counted in ClinVar's aggregate classification.

Literature cited by the submitters: DOI 10.1111/odi.12931 (cited by Department of Prosthodontics, School and Hospital of Stomatology, Hebei Medical University and Hebei Key Laboratory of Stomatology); PubMed 23210707 (cited by GeneReviews).